The following is an entry in ClinVar:

NM_000321.3(RB1):c.2384_2390del (p.Ser795fs)

Gene: RB1 (RB transcriptional corepressor 1; plus strand). Cytogenetic location: 13q14.2.
Variant type: Deletion.
Coding change: c.2384_2390del on transcript NM_000321.3 (MANE Select); coding-DNA positions 2384 to 2390, 7 bases deleted (CACCCTT; older notation c.2384_2390delCACCCTT).
Protein change: p.Ser795fs; shifts the reading frame from serine 795.
Molecular consequence: frameshift variant.
Genome position (GRCh38, 1-based): chr13:48,465,263-48,465,269, CACCCTT deleted; deleting any 7 consecutive bases within chr13:48,465,261-48,465,269 gives the same sequence; the c. name uses the placement nearest the transcript's 3' end. VCF-style (leftmost placement, unchanged base first): chr13-48465260-GTTCACCC-G. GRCh37 (hg19) VCF-style: chr13-49039396-GTTCACCC-G.
Other names: short protein forms S795fs.
Identifiers: ClinVar variation 1074087 (VCV001074087.7), dbSNP rs2138345718, ClinGen allele CA2499222462.

ClinVar aggregate classification (germline): Pathogenic (1 of 4 stars; one submission).

Conditions:
Retinoblastoma (RB1). Also called: RETINOBLASTOMA, SOMATIC. Identifiers: Orphanet 790, MedGen C0035335, MeSH D012175, MONDO:0008380, OMIM 180200, HP:0009919. Disease mechanism: loss of function. Inheritance: Both sporadic and heritable forms are tested..

Submission:

Labcorp Genetics (formerly Invitae), Labcorp
Classification: Pathogenic for Retinoblastoma. Last evaluated: 2020-09-24. Review status: criteria provided, single submitter. Criteria: Invitae Variant Classification Sherloc (09022015). Collection method: clinical testing. Allele origin: germline.
Comment: For these reasons, this variant has been classified as Pathogenic. This sequence change creates a premature translational stop signal (p.Ser795Tyrfs*13) in the RB1 gene. It is expected to result in an absent or disrupted protein product. This variant is not present in population databases (ExAC no frequency). This variant has not been reported in the literature in individuals with RB1-related conditions. Loss-of-function variants in RB1 are known to be pathogenic (PMID: 17096365).

Literature cited by the submitters: PubMed 17096365.